The following is an entry in ClinVar:

NM_003482.4(KMT2D):c.1963C>G (p.Pro655Ala)

Gene: KMT2D (lysine methyltransferase 2D; minus strand). Cytogenetic location: 12q13.12.
Variant type: single nucleotide variant.
Coding change: c.1963C>G on transcript NM_003482.4 (MANE Select); coding-DNA position 1963, C replaced by G.
Protein change: p.Pro655Ala; replaces proline 655 with alanine.
Molecular consequence: missense variant.
Genome position (GRCh38, 1-based): chr12:49,051,720, G>C on the plus strand (C>G on the coding strand, the complement: KMT2D is on the minus strand). VCF-style: chr12-49051720-G-C. GRCh37 (hg19) VCF-style: chr12-49445503-G-C.
Other names: short protein forms P655A.
Identifiers: ClinVar variation 4801260 (VCV004801260.1).

ClinVar aggregate classification (germline): Uncertain significance (1 of 4 stars; one submission).

Conditions:
Kabuki syndrome. Also called: NIIKAWA-KUROKI SYNDROME; Kabuki make-up syndrome. Identifiers: Orphanet 2322, MedGen C0796004, MONDO:0016512.

Submission:

Labcorp Genetics (formerly Invitae), Labcorp
Classification: Uncertain significance for Kabuki syndrome. Last evaluated: 2025-11-11. Review status: criteria provided, single submitter. Criteria: Invitae Variant Classification Sherloc (09022015). Collection method: clinical testing. Allele origin: germline.
Comment: This sequence change replaces proline, which is neutral and non-polar, with alanine, which is neutral and non-polar, at codon 655 of the KMT2D protein (p.Pro655Ala). This variant is not present in population databases (gnomAD no frequency). This variant has not been reported in the literature in individuals affected with KMT2D-related conditions. Invitae Evidence Modeling of protein sequence and biophysical properties (such as structural, functional, and spatial information, amino acid conservation, physicochemical variation, residue mobility, and thermodynamic stability) indicates that this missense variant is not expected to disrupt KMT2D protein function with a negative predictive value of 95%. In summary, the available evidence is currently insufficient to determine the role of this variant in disease. Therefore, it has been classified as a Variant of Uncertain Significance.